The following is an entry in ClinVar:

NM_000081.4(LYST):c.4845A>G (p.Ile1615Met)

Gene: LYST (lysosomal trafficking regulator; minus strand). Cytogenetic location: 1q42.3.
Variant type: single nucleotide variant.
Coding change: c.4845A>G on transcript NM_000081.4 (MANE Select); coding-DNA position 4845, A replaced by G.
Protein change: p.Ile1615Met; replaces isoleucine 1615 with methionine.
Molecular consequence: missense variant.
Genome position (GRCh38, 1-based): chr1:235,787,217, T>C on the plus strand (A>G on the coding strand, the complement: LYST is on the minus strand). VCF-style: chr1-235787217-T-C. GRCh37 (hg19) VCF-style: chr1-235950517-T-C.
Other names: c.4845A>G, p.Ile1615Met (NM_001301365.1); short protein forms I1615M.
Identifiers: ClinVar variation 950249 (VCV000950249.7), dbSNP rs960302500, ClinGen allele CA39626096.

ClinVar aggregate classification (germline): Uncertain significance (1 of 4 stars; one submission).

Conditions:
Chédiak-Higashi syndrome (CHS). Also called: Chediak-Higashi Syndrome. Identifiers: Orphanet 167, MedGen C0007965, MONDO:0008963, OMIM 214500.

Allele frequency attached by ClinVar (database versions not stated): TOPMed 0.00001; gnomAD 0.00002.
gnomAD v4.1: 44 of 1,613,438 alleles (0.0027%); highest among the groups gnomAD compares: Non-Finnish European, 0.0036%; no homozygotes.

Submission:

Labcorp Genetics (formerly Invitae), Labcorp
Classification: Uncertain significance for Chédiak-Higashi syndrome. Last evaluated: 2021-08-30. Review status: criteria provided, single submitter. Criteria: Invitae Variant Classification Sherloc (09022015). Collection method: clinical testing. Allele origin: germline.
Comment: This sequence change replaces isoleucine with methionine at codon 1615 of the LYST protein (p.Ile1615Met). The isoleucine residue is moderately conserved and there is a small physicochemical difference between isoleucine and methionine. This variant is not present in population databases (ExAC no frequency). This variant has not been reported in the literature in individuals affected with LYST-related conditions. Algorithms developed to predict the effect of missense changes on protein structure and function output the following: SIFT: "Tolerated"; PolyPhen-2: "Benign"; Align-GVGD: "Class C0". The methionine amino acid residue is found in multiple mammalian species, which suggests that this missense change does not adversely affect protein function. Algorithms developed to predict the effect of sequence changes on RNA splicing suggest that this variant may create or strengthen a splice site. In summary, the available evidence is currently insufficient to determine the role of this variant in disease. Therefore, it has been classified as a Variant of Uncertain Significance.